The following is an entry in ClinVar:

ClinVar aggregate classification (germline): Pathogenic (1 of 4 stars; one submission).

Conditions:
POLG-related disorder. Also called: POLG-Related Spectrum Disorders; POLG-related condition; POLG-Related Disorders. Identifiers: MedGen C4763519.

Submission:

Myriad Genetics, Inc.
Classification: Pathogenic for POLG-related disorder. Last evaluated: 2024-09-28. Review status: criteria provided, single submitter. Criteria: Myriad Autosomal Dominant, Autosomal Recessive and X-Linked Classification Criteria (2023). Collection method: clinical testing. Allele origin: unknown.
Comment: NM_002693.2(POLG):c.473delT(L158Cfs*108) is expected to be pathogenic in the context of POLG-related disorders. This variant is predicted to lead to an abnormal or absent protein product due to the creation of a premature termination codon in POLG, a gene where loss-of-function variants are known to be pathogenic. Please note: this variant was assessed in the context of healthy population screening.

NM_002693.3(POLG):c.473del (p.Leu158fs)

Genes: POLGARF (POLG alternative reading frame; minus strand), POLG (DNA polymerase gamma, catalytic subunit; minus strand). Cytogenetic location: 15q26.1.
Variant type: Deletion.
Coding change: c.473del on transcript NM_002693.3 (MANE Select); coding-DNA position 473, one base deleted (T; older notation c.473delT).
Protein change: p.Leu158fs; shifts the reading frame from leucine 158.
Molecular consequence: frameshift variant.
Genome position (GRCh38, 1-based): chr15:89,333,282, A deleted on the plus strand (T on the coding strand, the reverse complement: POLG is on the minus strand); the first of 2 consecutive A bases (chr15:89,333,282-89,333,283); deleting either gives the same sequence. VCF-style (leftmost placement, unchanged base first): chr15-89333281-CA-C. GRCh37 (hg19) VCF-style: chr15-89876512-CA-C.
Other names: c.528del, p.Ala177fs (NM_001430120.1); c.473del, p.Leu158fs (NM_001126131.2); short protein forms L158fs, A177fs.
Identifiers: ClinVar variation 5013588 (VCV005013588.1).
Genomic context (GRCh38, chr15:89,333,281, plus strand): 5'-GTACCGGGTCCAGCCCTCCGCCCAGGCCCAAGCCGGGGGCTTCGGGGGCAGCTGGGCCTG[CA>C]ACAGCAAGTTGGCCGCCTCCAGGTAGGGCAGGCTCTGCTTCTGGGCCAGGAGGCGGAAGT-3'